The following is an entry in ClinVar:

NM_003107.3(SOX4):c.1112C>A (p.Pro371Gln)

Gene: SOX4 (SRY-box transcription factor 4; plus strand). Cytogenetic location: 6p22.3.
Variant type: single nucleotide variant.
Coding change: c.1112C>A on transcript NM_003107.3 (MANE Select); coding-DNA position 1112, C replaced by A.
Protein change: p.Pro371Gln; replaces proline 371 with glutamine.
Molecular consequence: missense variant.
Genome position (GRCh38, 1-based): chr6:21,595,646, C>A. VCF-style: chr6-21595646-C-A. GRCh37 (hg19) VCF-style: chr6-21595877-C-A.
Other names: short protein forms P371Q.
Identifiers: ClinVar variation 3234556 (VCV003234556.20), dbSNP rs1198115374, ClinGen allele CA363271978.

ClinVar aggregate classification (germline): Uncertain significance (1 of 4 stars; one submission).

Submission:

CeGaT Center for Human Genetics Tuebingen
Classification: Uncertain significance. Last evaluated: 2024-04-01. Review status: criteria provided, single submitter. Criteria: CeGaT Center For Human Genetics Tuebingen Variant Classification Criteria Version 2. Collection method: clinical testing. Allele origin: germline. Affected: yes. Observed: 1 variant allele.
Comment: SOX4: PM2, PP3